The following is an entry in ClinVar:

NM_000059.4(BRCA2):c.9502-8_9504dup

Gene: BRCA2 (BRCA2 DNA repair associated; plus strand). Cytogenetic location: 13q13.1.
Variant type: Duplication.
Coding change: c.9502-8_9504dup on transcript NM_000059.4 (MANE Select); 8 bases into the intron before coding-DNA position 9502 through coding-DNA position 9504, 11 bases duplicated (TTTCTTAGAAT).
Molecular consequence: splice acceptor variant.
Genome position (GRCh38, 1-based): chr13:32,396,890-32,396,900, TTTCTTAGAAT duplicated; duplicating any 11 consecutive bases within chr13:32,396,888-32,396,900 gives the same sequence; the c. name uses the placement nearest the transcript's 3' end. VCF-style (leftmost placement, unchanged base first): chr13-32396887-T-TATTTTCTTAGA. GRCh37 (hg19) VCF-style: chr13-32971024-T-TATTTTCTTAGA.
Identifiers: ClinVar variation 1767196 (VCV001767196.3), dbSNP rs2548563592, ClinGen allele CA2580087401.

ClinVar aggregate classification (germline): Likely pathogenic (1 of 4 stars; one submission).

Conditions:
Hereditary cancer-predisposing syndrome. Also called: Hereditary Cancer Syndrome; Hereditary neoplastic syndrome; Neoplastic Syndromes, Hereditary; Tumor predisposition. Identifiers: Orphanet 140162, MedGen C0027672, MeSH D009386, MONDO:0015356.

Submission:

Ambry Genetics
Classification: Likely pathogenic for Hereditary cancer-predisposing syndrome. Last evaluated: 2023-05-30. Review status: criteria provided, single submitter. Criteria: Ambry Variant Classification Scheme 2023. Collection method: clinical testing. Allele origin: germline.
Comment: The c.9502-8_9504DUPTTTCTTAGAAT intronic variant results from a duplication of a total of 11 nucleotides including the first three nucleotides of coding exon 25 and 8 nucleotides in the intron 24 splice acceptor site of the BRCA2 gene. In silico splice site analysis predicts that this alteration will result in the creation or strengthening of a novel splice donor site. RNA studies have demonstrated that this alteration results in abnormal splicing in the set of samples tested (Ambry internal data). This variant is considered to be rare based on population cohorts in the Genome Aggregation Database (gnomAD). Based on the majority of available evidence to date, this variant is likely to be pathogenic.